The following is an entry in ClinVar:

NM_032447.5(FBN3):c.5758C>T (p.Leu1920Phe)

Gene: FBN3 (fibrillin 3; minus strand). Cytogenetic location: 19p13.2.
Variant type: single nucleotide variant.
Coding change: c.5758C>T on transcript NM_032447.5 (MANE Select); coding-DNA position 5758, C replaced by T.
Protein change: p.Leu1920Phe; replaces leucine 1920 with phenylalanine.
Molecular consequence: missense variant.
Genome position (GRCh38, 1-based): chr19:8,095,402, G>A on the plus strand (C>T on the coding strand, the complement: FBN3 is on the minus strand). VCF-style: chr19-8095402-G-A. GRCh37 (hg19) VCF-style: chr19-8160286-G-A.
Other names: c.5758C>T, p.Leu1920Phe (NM_001321431.2); short protein forms L1920F.
Identifiers: ClinVar variation 2173194 (VCV002173194.4), dbSNP rs527701918, ClinGen allele CA9151552.
Genomic context (GRCh38, chr19:8,095,402, plus strand): 5'-TGAGATGCCTCCGAGCACCATAGGCAGACTCACCCACACAGTTCTTCCCATCAGCTGTGA[G>A]CTCAAAGCCATCCTGGCAGAGGCAGTGGAAGGAACCAGCTGTGTTGAGGCAATGGCCAAA-3'
Protein context (NP_115823.3, residues 1910-1930): FHCLCQDGFE[Leu1920Phe]TADGKNCVDT

ClinVar aggregate classification (germline): Uncertain significance (1 of 4 stars; one submission).

gnomAD v4.1: 26 of 1,613,272 alleles (0.0016%); highest among the groups gnomAD compares: South Asian, 0.023%; no homozygotes.

Submission:

Labcorp Genetics (formerly Invitae), Labcorp
Classification: Uncertain significance. Last evaluated: 2023-01-12. Review status: criteria provided, single submitter. Criteria: Invitae Variant Classification Sherloc (09022015). Collection method: clinical testing. Allele origin: germline.
Comment: Advanced modeling of protein sequence and biophysical properties (such as structural, functional, and spatial information, amino acid conservation, physicochemical variation, residue mobility, and thermodynamic stability) performed at Invitae indicates that this missense variant is expected to disrupt FBN3 protein function. In summary, the available evidence is currently insufficient to determine the role of this variant in disease. Therefore, it has been classified as a Variant of Uncertain Significance. This variant has not been reported in the literature in individuals affected with FBN3-related conditions. This variant is present in population databases (rs527701918, gnomAD 0.02%). This sequence change replaces leucine, which is neutral and non-polar, with phenylalanine, which is neutral and non-polar, at codon 1920 of the FBN3 protein (p.Leu1920Phe).